The following is an entry in ClinVar:

ClinVar aggregate classification (germline): Likely benign. Review status: criteria provided, multiple submitters, no conflicts (2 of 4 stars). 3 submissions from 3 submitters: Likely benign (3). Last evaluated 2025-05-07.

Conditions:
Hereditary cancer-predisposing syndrome. Also called: Tumor predisposition; Hereditary neoplastic syndrome; Neoplastic Syndromes, Hereditary; Hereditary Cancer Syndrome. Identifiers: Orphanet 140162, MedGen C0027672, MeSH D009386, MONDO:0015356.
Multiple endocrine neoplasia type 4. Also called: MULTIPLE ENDOCRINE NEOPLASIA, TYPE IV. Identifiers: Orphanet 276152, MedGen C1970712, MONDO:0012552, OMIM 610755.

Allele frequency attached by ClinVar (database versions not stated): gnomAD exomes below 0.00001 and 0.00001; gnomAD 0.00001; TOPMed 0.00003.
gnomAD v4.1: 8 of 1,609,978 alleles (0.0005%); highest among the groups gnomAD compares: African/African-American, 0.0027%; no homozygotes.

Submissions (3):

Labcorp Genetics (formerly Invitae), Labcorp
Classification: Likely benign for Multiple endocrine neoplasia type 4. Last evaluated: 2025-05-07. Review status: criteria provided, single submitter. Criteria: Invitae Variant Classification Sherloc (09022015). Collection method: clinical testing. Allele origin: germline.

CeGaT Center for Human Genetics Tuebingen
Classification: Likely benign. Last evaluated: 2022-04-01. Review status: criteria provided, single submitter. Criteria: CeGaT Center For Human Genetics Tuebingen Variant Classification Criteria Version 2. Collection method: clinical testing. Allele origin: germline. Affected: yes. Observed: 1 variant allele.
Comment: CDKN1B: BP4, BP7

Ambry Genetics
Classification: Likely benign for Hereditary cancer-predisposing syndrome. Last evaluated: 2019-09-17. Review status: criteria provided, single submitter. Criteria: Ambry Variant Classification Scheme 2023. Collection method: clinical testing. Allele origin: germline.

NM_004064.5(CDKN1B):c.420C>T (p.Ser140=)

Gene: CDKN1B (cyclin dependent kinase inhibitor 1B; plus strand). Cytogenetic location: 12p13.1.
Variant type: single nucleotide variant.
Coding change: c.420C>T on transcript NM_004064.5 (MANE Select); coding-DNA position 420, C replaced by T.
Protein change: p.Ser140=; no amino-acid change (serine 140 retained).
Molecular consequence: synonymous variant.
Genome position (GRCh38, 1-based): chr12:12,718,259, C>T. VCF-style: chr12-12718259-C-T. GRCh37 (hg19) VCF-style: chr12-12871193-C-T.
Identifiers: ClinVar variation 824680 (VCV000824680.37), dbSNP rs965015279, ClinGen allele CA233060524.